The following is an entry in ClinVar:

NM_005477.3(HCN4):c.200C>T (p.Ser67Phe)

Gene: HCN4 (hyperpolarization activated cyclic nucleotide gated potassium channel 4; minus strand). Cytogenetic location: 15q24.1.
Variant type: single nucleotide variant.
Coding change: c.200C>T on transcript NM_005477.3 (MANE Select); coding-DNA position 200, C replaced by T.
Protein change: p.Ser67Phe; replaces serine 67 with phenylalanine.
Molecular consequence: missense variant.
Genome position (GRCh38, 1-based): chr15:73,368,071, G>A on the plus strand (C>T on the coding strand, the complement: HCN4 is on the minus strand). VCF-style: chr15-73368071-G-A. GRCh37 (hg19) VCF-style: chr15-73660412-G-A.
Other names: short protein forms S67F.
Identifiers: ClinVar variation 3619118 (VCV003619118.2).
Genomic context (GRCh38, chr15:73,368,071, plus strand): 5'-GACTTGCCCGCGCCGCGGGCCGGCCCTTCGCTGTCCGCTGCCCCGAGGGCCGAGCTCCGG[G>A]ACTCCGTGCCACCCGCGGCCGCCGAGGGGGAGGGCGAGGGCAGTGGCCGCAGCCGGATGC-3'
Protein context (NP_005468.1, residues 57-77): SPSAAAGGTE[Ser67Phe]RSSALGAADS

ClinVar aggregate classification (germline): Uncertain significance (1 of 4 stars; one submission).

Conditions:
Brugada syndrome 8 (BRGDA8). Identifiers: Orphanet 130, MedGen C2751083, MONDO:0013148, OMIM 613123.

gnomAD v4.1: 1 of 1,486,282 alleles (0.000067%); highest among the groups gnomAD compares: Non-Finnish European, 0.000089%; no homozygotes.

Submission:

Labcorp Genetics (formerly Invitae), Labcorp
Classification: Uncertain significance for Brugada syndrome 8. Last evaluated: 2024-09-12. Review status: criteria provided, single submitter. Criteria: Invitae Variant Classification Sherloc (09022015). Collection method: clinical testing. Allele origin: germline.
Comment: This sequence change replaces serine, which is neutral and polar, with phenylalanine, which is neutral and non-polar, at codon 67 of the HCN4 protein (p.Ser67Phe). This variant is not present in population databases (gnomAD no frequency). This variant has not been reported in the literature in individuals affected with HCN4-related conditions. Invitae Evidence Modeling of protein sequence and biophysical properties (such as structural, functional, and spatial information, amino acid conservation, physicochemical variation, residue mobility, and thermodynamic stability) indicates that this missense variant is not expected to disrupt HCN4 protein function with a negative predictive value of 95%. In summary, the available evidence is currently insufficient to determine the role of this variant in disease. Therefore, it has been classified as a Variant of Uncertain Significance.